The following is an entry in ClinVar:

ClinVar aggregate classification (germline): Likely benign. Review status: criteria provided, multiple submitters, no conflicts (2 of 4 stars). 3 submissions from 3 submitters: Likely benign (2). 1 of the submissions does not count toward it. Last evaluated 2024-09-03.

Conditions:
Alzheimer disease. Also called: Presenile and senile dementia; Alzheimer's disease. Identifiers: Orphanet 1020, MedGen C0002395, MeSH D000544, MONDO:0004975, HP:0002511.
APP-related disorder. Also called: APP-related condition.

Allele frequency attached by ClinVar (database versions not stated): gnomAD 0.00001.
gnomAD v4.1: 2 of 1,613,466 alleles (0.00012%); highest among the groups gnomAD compares: African/African-American, 0.0013%; no homozygotes.

Submissions (3):

Women's Health and Genetics/Laboratory Corporation of America, LabCorp
Classification: Likely benign. Last evaluated: 2024-09-03. Review status: criteria provided, single submitter. Criteria: LabCorp Variant Classification Summary - May 2015. Collection method: clinical testing. Allele origin: germline.

Labcorp Genetics (formerly Invitae), Labcorp
Classification: Likely benign for Alzheimer disease. Last evaluated: 2021-11-19. Review status: criteria provided, single submitter. Criteria: Invitae Variant Classification Sherloc (09022015). Collection method: clinical testing. Allele origin: germline.

PreventionGenetics, part of Exact Sciences
Classification: Likely benign for APP-related condition. Last evaluated: 2024-01-02. Review status: no assertion criteria provided. Collection method: clinical testing. Allele origin: germline. Not counted in ClinVar's aggregate classification.
Comment: This variant is classified as likely benign based on ACMG/AMP sequence variant interpretation guidelines (Richards et al. 2015 PMID: 25741868, with internal and published modifications).

NM_000484.4(APP):c.762A>G (p.Val254=)

Gene: APP (amyloid beta precursor protein; minus strand). Cytogenetic location: 21q21.3.
Variant type: single nucleotide variant.
Coding change: c.762A>G on transcript NM_000484.4 (MANE Select); coding-DNA position 762, A replaced by G.
Protein change: p.Val254=; no amino-acid change (valine 254 retained).
Molecular consequence: synonymous variant.
Genome position (GRCh38, 1-based): chr21:26,021,943, T>C on the plus strand (A>G on the coding strand, the complement: APP is on the minus strand). VCF-style: chr21-26021943-T-C. GRCh37 (hg19) VCF-style: chr21-27394259-T-C.
Other names: c.747A>G, p.Val249= (NM_001136016.3); c.594A>G, p.Val198= (NM_001136129.3, NM_001136130.3); c.657A>G, p.Val219= (NM_001136131.3); c.762A>G, p.Val254= (NM_001204301.2, NM_001204302.2, NM_001204303.2 and 3 more transcripts).
Identifiers: ClinVar variation 721913 (VCV000721913.10), dbSNP rs1386522903, ClinGen allele CA511879642.
Genomic context (GRCh38, chr21:26,021,943, plus strand): 5'-GGTGGCAATGCTGGTGGTTCTCTCTGTGGCTTCTTCGTAGGGTTCCTCAGCCTCTTCCTC[T>C]ACCTCATCACCATCCTCATCGTCCTCGTCATCATCGGCTTCTTCTTCTTCCACCTCAGCC-3'
Protein context (NP_000475.1, residues 244-264): DDEDDEDGDE[Val254=]EEEAEEPYEE